The following is an entry in ClinVar:

ClinVar aggregate classification (germline): Uncertain significance. Review status: criteria provided, multiple submitters, no conflicts (2 of 4 stars). 2 submissions from 2 submitters: Uncertain significance (2). Last evaluated 2026-08-31.

Conditions:
Hereditary nonpolyposis colorectal neoplasms. Identifiers: MedGen C0009405, MeSH D003123.
Hereditary cancer-predisposing syndrome. Also called: Neoplastic Syndromes, Hereditary; Hereditary Cancer Syndrome; Tumor predisposition; Hereditary neoplastic syndrome. Identifiers: Orphanet 140162, MedGen C0027672, MeSH D009386, MONDO:0015356.

Submissions (2):

Ambry Genetics
Classification: Uncertain significance for Hereditary cancer-predisposing syndrome. Last evaluated: 2026-08-31. Review status: criteria provided, single submitter. Criteria: Ambry Variant Classification Scheme 2023. Collection method: clinical testing. Allele origin: germline.
Comment: The p.I223L variant (also known as c.667A>C), located in coding exon 6 of the PMS2 gene, results from an A to C substitution at nucleotide position 667. The isoleucine at codon 223 is replaced by leucine, an amino acid with highly similar properties. This amino acid position is conserved. In addition, this alteration is predicted to be tolerated by in silico analysis. Based on the available evidence, the clinical significance of this variant remains unclear.

Labcorp Genetics (formerly Invitae), Labcorp
Classification: Uncertain significance for Hereditary nonpolyposis colorectal neoplasms. Last evaluated: 2021-12-23. Review status: criteria provided, single submitter. Criteria: Invitae Variant Classification Sherloc (09022015). Collection method: clinical testing. Allele origin: germline.
Comment: In summary, the available evidence is currently insufficient to determine the role of this variant in disease. Therefore, it has been classified as a Variant of Uncertain Significance. Advanced modeling of protein sequence and biophysical properties (such as structural, functional, and spatial information, amino acid conservation, physicochemical variation, residue mobility, and thermodynamic stability) performed at Invitae indicates that this missense variant is not expected to disrupt PMS2 protein function. ClinVar contains an entry for this variant (Variation ID: 939490). This variant has not been reported in the literature in individuals affected with PMS2-related conditions. This variant is not present in population databases (gnomAD no frequency). This sequence change replaces isoleucine, which is neutral and non-polar, with leucine, which is neutral and non-polar, at codon 223 of the PMS2 protein (p.Ile223Leu).

NM_000535.7(PMS2):c.667A>C (p.Ile223Leu)

Gene: PMS2 (PMS1 homolog 2, mismatch repair system component; minus strand). Cytogenetic location: 7p22.1.
Variant type: single nucleotide variant.
Coding change: c.667A>C on transcript NM_000535.7 (MANE Select); coding-DNA position 667, A replaced by C.
Protein change: p.Ile223Leu; replaces isoleucine 223 with leucine.
Molecular consequence: missense variant. On other transcripts: 5 prime UTR variant (2), non-coding transcript variant (1), intron variant (1).
Genome position (GRCh38, 1-based): chr7:5,999,146, T>G on the plus strand (A>C on the coding strand, the complement: PMS2 is on the minus strand). VCF-style: chr7-5999146-T-G. GRCh37 (hg19) VCF-style: chr7-6038777-T-G.
Other names: c.262A>C, p.Ile88Leu (NM_001322003.2, NM_001322004.2, NM_001322005.2 and 2 more transcripts); c.667A>C, p.Ile223Leu (NM_001322006.2, NM_001322014.2); c.349A>C, p.Ile117Leu (NM_001322007.2, NM_001322008.2); c.-267A>C (NM_001322011.2, NM_001322012.2); c.358A>C, p.Ile120Leu (NM_001322015.2); c.133-1723A>C (NM_001322013.2); short protein forms I223L, I117L, I120L, I88L.
Identifiers: ClinVar variation 939490 (VCV000939490.10), dbSNP rs876660067, ClinGen allele CA366743887.